The following is an entry in ClinVar:

NM_000051.4(ATM):c.3213del (p.Asn1071fs)

Gene: ATM (ATM serine/threonine kinase; plus strand). Cytogenetic location: 11q22.3.
Variant type: Deletion.
Coding change: c.3213del on transcript NM_000051.4 (MANE Select); coding-DNA position 3213, one base deleted (T; older notation c.3213delT).
Protein change: p.Asn1071fs; shifts the reading frame from asparagine 1071.
Molecular consequence: frameshift variant.
Genome position (GRCh38, 1-based): chr11:108,272,781, T deleted. VCF-style (leftmost placement, unchanged base first): chr11-108272780-AT-A. GRCh37 (hg19) VCF-style: chr11-108143507-AT-A.
Other names: c.3213del, p.Asn1071fs (NM_001351834.2); short protein forms N1071fs.
Identifiers: ClinVar variation 1452474 (VCV001452474.6), dbSNP rs2135571395, ClinGen allele CA2573146655.

ClinVar aggregate classification (germline): Pathogenic (1 of 4 stars; one submission).

Conditions:
Ataxia-telangiectasia syndrome (AT). Also called: Ataxia-telangiectasia; LOUIS-BAR SYNDROME; AT, COMPLEMENTATION GROUP C; Ataxia-telangiectasia, complementation group E; Ataxia telangiectasia (A-T); Cerebello-oculocutaneous telangiectasia. Identifiers: Orphanet 100, MedGen C0004135, MONDO:0008840, OMIM 208900.

Submission:

Labcorp Genetics (formerly Invitae), Labcorp
Classification: Pathogenic for Ataxia-telangiectasia syndrome. Last evaluated: 2023-11-24. Review status: criteria provided, single submitter. Criteria: Invitae Variant Classification Sherloc (09022015). Collection method: clinical testing. Allele origin: germline.
Comment: This sequence change creates a premature translational stop signal (p.Asn1071Lysfs*38) in the ATM gene. It is expected to result in an absent or disrupted protein product. Loss-of-function variants in ATM are known to be pathogenic (PMID: 23807571, 25614872). This variant is not present in population databases (gnomAD no frequency). This variant has not been reported in the literature in individuals affected with ATM-related conditions. ClinVar contains an entry for this variant (Variation ID: 1452474). For these reasons, this variant has been classified as Pathogenic.

Literature cited by the submitters: PubMed 23807571; PubMed 25614872.